The following is an entry in ClinVar:

NM_004656.4(BAP1):c.1547C>T (p.Pro516Leu)

Gene: BAP1 (BRCA1 associated deubiquitinase 1; minus strand). Cytogenetic location: 3p21.1.
Variant type: single nucleotide variant.
Coding change: c.1547C>T on transcript NM_004656.4 (MANE Select); coding-DNA position 1547, C replaced by T.
Protein change: p.Pro516Leu; replaces proline 516 with leucine.
Molecular consequence: missense variant.
Genome position (GRCh38, 1-based): chr3:52,403,598, G>A on the plus strand (C>T on the coding strand, the complement: BAP1 is on the minus strand). VCF-style: chr3-52403598-G-A. GRCh37 (hg19) VCF-style: chr3-52437614-G-A.
Other names: short protein forms P516L.
Identifiers: ClinVar variation 472672 (VCV000472672.24), dbSNP rs755719248, ClinGen allele CA2436780.

ClinVar aggregate classification (germline): Conflicting classifications of pathogenicity. Review status: criteria provided, conflicting classifications (1 of 4 stars). 5 submissions from 5 submitters: Uncertain significance (4); Benign (1). Last evaluated 2025-11-10.

Conditions:
Hereditary cancer-predisposing syndrome. Also called: Neoplastic Syndromes, Hereditary; Tumor predisposition; Hereditary Cancer Syndrome; Hereditary neoplastic syndrome. Identifiers: Orphanet 140162, MedGen C0027672, MeSH D009386, MONDO:0015356.
BAP1-related tumor predisposition syndrome (TPDS1). Also called: BAP1 tumor predisposition syndrome; COMMON Syndrome; TUMOR PREDISPOSITION SYNDROME 1; Tumor susceptibility linked to germline BAP1 mutations. Identifiers: Orphanet 289539, MedGen C3280492, MONDO:0013692, OMIM 614327.

Allele frequency attached by ClinVar (database versions not stated): TOPMed below 0.00001; ExAC 0.00001; gnomAD 0.00001; gnomAD exomes 0.00001 and 0.00002.
gnomAD v4.1: 28 of 1,614,052 alleles (0.0017%); highest among the groups gnomAD compares: East Asian, 0.0022%; no homozygotes.

Submissions (5):

Labcorp Genetics (formerly Invitae), Labcorp
Classification: Uncertain significance for BAP1-related tumor predisposition syndrome. Last evaluated: 2025-11-10. Review status: criteria provided, single submitter. Criteria: Invitae Variant Classification Sherloc (09022015). Collection method: clinical testing. Allele origin: germline.
Comment: This sequence change replaces proline, which is neutral and non-polar, with leucine, which is neutral and non-polar, at codon 516 of the BAP1 protein (p.Pro516Leu). This variant is present in population databases (rs755719248, gnomAD 0.003%). This variant has not been reported in the literature in individuals affected with BAP1-related conditions. ClinVar contains an entry for this variant (Variation ID: 472672). Invitae Evidence Modeling of protein sequence and biophysical properties (such as structural, functional, and spatial information, amino acid conservation, physicochemical variation, residue mobility, and thermodynamic stability) indicates that this missense variant is not expected to disrupt BAP1 protein function with a negative predictive value of 80%. In summary, the available evidence is currently insufficient to determine the role of this variant in disease. Therefore, it has been classified as a Variant of Uncertain Significance.

Ambry Genetics
Classification: Benign for Hereditary cancer-predisposing syndrome. Last evaluated: 2025-07-15. Review status: criteria provided, single submitter. Criteria: Ambry Variant Classification Scheme 2023. Collection method: clinical testing. Allele origin: germline.

GeneDx
Classification: Uncertain significance. Last evaluated: 2025-03-27. Review status: criteria provided, single submitter. Criteria: GeneDx Variant Classification Process June 2021. Collection method: clinical testing. Allele origin: germline. Affected: yes.
Comment: Not observed at significant frequency in large population cohorts (gnomAD); In silico analysis indicates that this missense variant does not alter protein structure/function; Identified in an individual with renal cancer (PMID: 29684080); This variant is associated with the following publications: (PMID: 29684080)

St. Jude Molecular Pathology, St. Jude Children's Research Hospital
Classification: Uncertain significance for BAP1-related tumor predisposition syndrome. Last evaluated: 2024-04-03. Review status: criteria provided, single submitter. Criteria: St. Jude Assertion Criteria 2020. Collection method: clinical testing. Allele origin: germline.
Comment: The BAP1 c.1547C>T (p.Pro516Leu) missense change has a maximum subpopulation frequency of 0.003% in gnomAD v2.1.1. The in silico tool REVEL predicts a benign effect on protein function, but to our knowledge this prediction has not been confirmed by functional studies. To our knowledge, this variant has not been reported in the literature in individuals with BAP1-related tumor predisposition syndrome. In summary, the evidence currently available is insufficient to determine the clinical significance of this variant. It has therefore been classified as of uncertain significance.?

Color Diagnostics, LLC DBA Color Health
Classification: Uncertain significance for Hereditary cancer-predisposing syndrome. Last evaluated: 2023-02-17. Review status: criteria provided, single submitter. Criteria: ACMG Guidelines, 2015. Collection method: clinical testing. Allele origin: germline.
Comment: This missense variant replaces proline with leucine at codon 516 of the BAP1 protein. Computational prediction suggests that this variant may not impact protein structure and function (internally defined REVEL score threshold <= 0.5, PMID: 27666373). To our knowledge, functional studies have not been reported for this variant. This variant has been reported in an individual affected with kidney cancer (PMID: 29684080). This variant has been identified in 2/251116 chromosomes in the general population by the Genome Aggregation Database (gnomAD). The available evidence is insufficient to determine the role of this variant in disease conclusively. Therefore, this variant is classified as a Variant of Uncertain Significance.

Literature cited by the submitters: PubMed 38969833 (cited by Ambry Genetics); PubMed 29684080 (cited by Color Diagnostics, LLC DBA Color Health).